The following is an entry in ClinVar:

ClinVar aggregate classification (germline): Likely benign (1 of 4 stars; one submission).

Submission:

Women's Health and Genetics/Laboratory Corporation of America, LabCorp
Classification: Likely benign. Last evaluated: 2024-03-28. Review status: criteria provided, single submitter. Criteria: LabCorp Variant Classification Summary - May 2015. Collection method: clinical testing. Allele origin: germline.
Comment: Variant summary: COL4A3 c.127_129delinsCGA (p.Gly43Arg) results in a non-conservative amino acid change in the encoded protein sequence. Three of five in-silico tools predict a damaging effect of the variant on protein function. Another variant resulting in the same amino acid change was found at a frequency of 0.29 in 280794 control chromosomes in the gnomAD database, including 13253 homozygotes. The observed variant frequency is approximately 200 fold of the estimated maximal expected allele frequency for a pathogenic variant in COL4A3 causing Alport Syndrome, Autosomal Recessive phenotype (0.0014), strongly suggesting that the variant is benign. To our knowledge, no occurrence of c.127_129delinsCGA in individuals affected with Alport Syndrome, Autosomal Recessive and no experimental evidence demonstrating its impact on protein function have been reported. No submitters have cited clinical-significance assessments for this variant to ClinVar. Based on the evidence outlined above, the variant was classified as likely benign.

NM_000091.5(COL4A3):c.127_129delinsCGA (p.Gly43Arg)

Genes: COL4A3 (collagen type IV alpha 3 chain; plus strand), MFF-DT (MFF divergent transcript; minus strand). Cytogenetic location: 2q36.3.
Variant type: Indel.
Coding change: c.127_129delinsCGA on transcript NM_000091.5 (MANE Select); coding-DNA positions 127 to 129, GGG replaced by CGA.
Protein change: p.Gly43Arg; replaces glycine 43 with arginine.
Molecular consequence: missense variant.
Genome position (GRCh38, 1-based): chr2:227,238,007-227,238,009, GGG replaced by CGA. VCF-style: chr2-227238007-GGG-CGA. GRCh37 (hg19) VCF-style: chr2-228102723-GGG-CGA.
Other names: short protein forms G43R.
Identifiers: ClinVar variation 3233713 (VCV003233713.2), dbSNP rs2469447948, ClinGen allele CA2825001094.
Genomic context (GRCh38, chr2:227,238,007, plus strand): 5'-TTTCTCTTTCCCTCTTCCTAGGGTTGTGTCTGTAAAGACAAAGGCCAGTGCTTCTGTGAC[GGG>CGA]GCCAAAGGGGAGAAGGTAAAAACAAACCCTAATACTGCTTGTTTACACTGTAAAGCTCTA-3'
Protein context (NP_000082.2, residues 33-53): CKDKGQCFCD[Gly43Arg]AKGEKGEKGF